The following is an entry in ClinVar:

ClinVar aggregate classification (germline): Likely pathogenic (1 of 4 stars; one submission).

Conditions:
Cohen syndrome (COH1). Also called: Cutis verticis gyrata, retinitis pigmentosa, and sensorineural deafness; PEPPER SYNDROME. Identifiers: Orphanet 193, MedGen C0265223, MONDO:0008999, OMIM 216550.

Submission:

Labcorp Genetics (formerly Invitae), Labcorp
Classification: Likely pathogenic for Cohen syndrome. Last evaluated: 2023-06-25. Review status: criteria provided, single submitter. Criteria: Invitae Variant Classification Sherloc (09022015). Collection method: clinical testing. Allele origin: unknown.
Comment: This variant has not been reported in the literature in individuals affected with VPS13B-related conditions. In summary, the currently available evidence indicates that the variant is pathogenic, but additional data are needed to prove that conclusively. Therefore, this variant has been classified as Likely Pathogenic. This variant results in a copy number gain of the genomic region encompassing exon(s) 35-54 of the VPS13B gene. While the exact position of this variant cannot be determined from the data, sub-genic copy number gains are generally in tandem (PMID: 25640679). This variant is predicted to be out-of-frame, and may result in an absent or disrupted protein product. Loss-of-function variants in VPS13B are known to be pathogenic (PMID: 15141358, 16648375, 20461111).

Literature cited by the submitters: PubMed 25640679; PubMed 15141358; PubMed 16648375; PubMed 20461111.

NC_000008.10:g.(?_100673562)_(100847986_?)dup

Gene: VPS13B (vacuolar protein sorting 13 homolog B; plus strand). Cytogenetic location: 8q22.2.
Variant type: Duplication.
Identifiers: ClinVar variation 3245473 (VCV003245473.1).